The following is an entry in ClinVar:

ClinVar aggregate classification (germline): Benign/Likely benign. Review status: criteria provided, multiple submitters, no conflicts (2 of 4 stars). 3 submissions from 3 submitters: Benign (1); Likely benign (2). Last evaluated 2026-04-17.

Conditions:
Hereditary cancer-predisposing syndrome. Also called: Hereditary neoplastic syndrome; Neoplastic Syndromes, Hereditary; Hereditary Cancer Syndrome; Tumor predisposition. Identifiers: Orphanet 140162, MedGen C0027672, MeSH D009386, MONDO:0015356.
DICER1-related tumor predisposition. Also called: DICER1-related pleuropulmonary blastoma cancer predisposition syndrome; DICER1 syndrome. Identifiers: Orphanet 284343, MedGen C3839822, MONDO:0100216.

Allele frequency attached by ClinVar (database versions not stated): ExAC 0.00002; ESP Exome Variant Server 0.00008; gnomAD exomes below 0.00001 and 0.00001.

Submissions (3):

Myriad Genetics, Inc.
Classification: Benign for DICER1-related tumor predisposition. Last evaluated: 2026-04-17. Review status: criteria provided, single submitter. Criteria: Myriad Autosomal Dominant, Autosomal Recessive and X-Linked Classification Criteria (2023). Collection method: clinical testing. Allele origin: unknown.
Comment: This variant is considered benign. This variant is a silent/synonymous amino acid change and it is not expected to impact splicing.

Labcorp Genetics (formerly Invitae), Labcorp
Classification: Likely benign for DICER1-related tumor predisposition. Last evaluated: 2025-10-20. Review status: criteria provided, single submitter. Criteria: Invitae Variant Classification Sherloc (09022015). Collection method: clinical testing. Allele origin: germline.

Ambry Genetics
Classification: Likely benign for Hereditary cancer-predisposing syndrome. Last evaluated: 2021-02-26. Review status: criteria provided, single submitter. Criteria: Ambry Variant Classification Scheme 2023. Collection method: clinical testing. Allele origin: germline.

NM_177438.3(DICER1):c.3234T>C (p.Ala1078=)

Gene: DICER1 (dicer 1, ribonuclease III; minus strand). Cytogenetic location: 14q32.13.
Variant type: single nucleotide variant.
Coding change: c.3234T>C on transcript NM_177438.3 (MANE Select); coding-DNA position 3234, T replaced by C.
Protein change: p.Ala1078=; no amino-acid change (alanine 1078 retained).
Molecular consequence: synonymous variant.
Genome position (GRCh38, 1-based): chr14:95,105,106, A>G on the plus strand (T>C on the coding strand, the complement: DICER1 is on the minus strand). VCF-style: chr14-95105106-A-G. GRCh37 (hg19) VCF-style: chr14-95571443-A-G.
Other names: c.3234T>C, p.Ala1078= (NM_001195573.1, NM_001271282.3, NM_001291628.2 and 1 more transcripts).
Identifiers: ClinVar variation 477127 (VCV000477127.18), dbSNP rs148166836, ClinGen allele CA7331082.